The following is an entry in ClinVar:

ClinVar aggregate classification (germline): Pathogenic (1 of 4 stars; one submission).

Conditions:
Intellectual disability, X-linked 102 (MRXSSB). Also called: Intellectual developmental disorder, X-linked syndromic, Snijders Blok type. Identifiers: Orphanet 457260, MedGen C5393299, MONDO:0010497, OMIM 300958.

Submission:

Victorian Clinical Genetics Services, Murdoch Childrens Research Institute
Classification: Pathogenic for Intellectual disability, X-linked 102. Last evaluated: 2025-12-24. Review status: criteria provided, single submitter. Criteria: ACMG Guidelines, 2015. Collection method: clinical testing. Allele origin: germline. Affected: yes.
Comment: This variant is classified as Pathogenic. Evidence in support of pathogenic classification: Variant is predicted to cause nonsense-mediated decay (NMD) and loss of protein (premature termination codon is located at least 54 nucleotides upstream of the final exon-exon junction); Variant is absent from gnomAD (v2, v3 and v4); Other NMD-predicted variant(s) comparable to the one identified in this case have very strong previous evidence for pathogenicity (DECIPHER). Additional information: This variant is heterozygous; This gene is associated with X-linked disease. Females may or may not be symptomatic (OMIM); This variant has no previous evidence of pathogenicity; No published evidence of segregation with disease has been identified for this variant; No published functional evidence has been identified for this variant; Loss of function is a known mechanism of disease in this gene and is associated with Snijders Blok-type X-linked syndromic intellectual developmental disorder (MIM#300958).

NM_001356.5(DDX3X):c.649A>T (p.Lys217Ter)

Gene: DDX3X (DEAD-box helicase 3 X-linked; plus strand). Cytogenetic location: Xp11.4.
Variant type: single nucleotide variant.
Coding change: c.649A>T on transcript NM_001356.5 (MANE Select); coding-DNA position 649, A replaced by T.
Protein change: p.Lys217Ter; replaces lysine 217 with a stop codon.
Molecular consequence: nonsense. On other transcripts: non-coding transcript variant (1).
Genome position (GRCh38, 1-based): chrX:41,343,321, A>T. VCF-style: chrX-41343321-A-T. GRCh37 (hg19) VCF-style: chrX-41202574-A-T.
Other names: c.649A>T, p.Lys217Ter (NM_001193416.3); c.601A>T, p.Lys201Ter (NM_001193417.3); c.91A>T, p.Lys31Ter (NM_001363819.1); short protein forms K201*, K217*, K31*.
Identifiers: ClinVar variation 4819048 (VCV004819048.1).